The following is an entry in ClinVar:

ClinVar aggregate classification (germline): Uncertain significance (1 of 4 stars; one submission).

Conditions:
Tuberous sclerosis 2 (TSC2). Identifiers: Orphanet 805, MedGen C1860707, MONDO:0013199, OMIM 613254.

Submission:

Labcorp Genetics (formerly Invitae), Labcorp
Classification: Uncertain significance for Tuberous sclerosis 2. Last evaluated: 2022-10-20. Review status: criteria provided, single submitter. Criteria: Invitae Variant Classification Sherloc (09022015). Collection method: clinical testing. Allele origin: germline.
Comment: Algorithms developed to predict the effect of sequence changes on RNA splicing suggest that this variant may disrupt the consensus splice site. In summary, the available evidence is currently insufficient to determine the role of this variant in disease. Therefore, it has been classified as a Variant of Uncertain Significance. This variant has not been reported in the literature in individuals affected with TSC2-related conditions. This variant is not present in population databases (gnomAD no frequency). This sequence change falls in intron 5 of the TSC2 gene. It does not directly change the encoded amino acid sequence of the TSC2 protein.

NM_000548.5(TSC2):c.482-6C>A

Gene: TSC2 (TSC complex subunit 2; plus strand). Cytogenetic location: 16p13.3.
Variant type: single nucleotide variant.
Coding change: c.482-6C>A on transcript NM_000548.5 (MANE Select); 6 bases into the intron before coding-DNA position 482, C replaced by A.
Molecular consequence: intron variant.
Genome position (GRCh38, 1-based): chr16:2,055,396, C>A. VCF-style: chr16-2055396-C-A. GRCh37 (hg19) VCF-style: chr16-2105397-C-A.
Other names: c.482-6C>A (NM_001114382.3, NM_021055.3, NM_001370405.1 and 3 more transcripts); c.371-6C>A (NM_001318827.2); c.-1-800C>A (NM_001318831.2); c.335-6C>A (NM_001318829.2); c.515-6C>A (NM_001318832.2).
Identifiers: ClinVar variation 2036351 (VCV002036351.4), dbSNP rs1372293593, ClinGen allele CA2580090668.